The following is an entry in ClinVar:

ClinVar aggregate classification (germline): Benign/Likely benign. Review status: criteria provided, multiple submitters, no conflicts (2 of 4 stars). 13 submissions from 12 submitters: Benign (5); Likely benign (7). 1 of the submissions does not count toward it. Last evaluated 2026-06-01.

Conditions:
Inborn genetic diseases. Identifiers: MedGen C0950123, MeSH D030342.
Angiokeratoma corporis diffusum with arteriovenous fistulas. Identifiers: MedGen C1838141, MONDO:0010885, OMIM 600419.
Cerebral cavernous malformation (CCM). Also called: CAVERNOUS ANGIOMA, FAMILIAL; CAVERNOUS ANGIOMATOUS MALFORMATIONS; CEREBRAL CAPILLARY MALFORMATIONS; Cerebral cavernous malformations; Cerebral cavernous hemangioma (type); Cavernous Hemangioma of Brain. Identifiers: Orphanet 221061, MedGen C2919945, MONDO:0000820, OMIM 116860, HP:0033522.

Allele frequency attached by ClinVar (database versions not stated): 1000 Genomes Project 0.00080; 1000 Genomes Project 30x 0.00109; gnomAD exomes 0.00203 and 0.00366; ExAC 0.00212; TOPMed 0.00227; gnomAD 0.00229 and 0.00238; ESP Exome Variant Server 0.00238.
gnomAD v4.1: 5,693 of 1,613,262 alleles (0.35%); highest among the groups gnomAD compares: Non-Finnish European, 0.45%; 14 homozygotes.

Submissions (13):

CeGaT Center for Human Genetics Tuebingen
Classification: Benign. Last evaluated: 2026-06-01. Review status: criteria provided, single submitter. Criteria: CeGaT Center For Human Genetics Tuebingen Variant Classification Criteria Version 2. Collection method: clinical testing. Allele origin: germline. Affected: yes. Observed: 2 variant alleles.
Comment: KRIT1: BP4, BP7, BS1, BS2

Labcorp Genetics (formerly Invitae), Labcorp
Classification: Benign for Cerebral cavernous malformation. Last evaluated: 2025-10-01. Review status: criteria provided, single submitter. Criteria: Invitae Variant Classification Sherloc (09022015). Collection method: clinical testing. Allele origin: germline.

Mayo Clinic Laboratories, Mayo Clinic
Classification: Likely benign. Last evaluated: 2025-06-04. Review status: criteria provided, single submitter. Criteria: ACMG Guidelines, 2015. Collection method: clinical testing. Allele origin: germline. Observed: 8 variant alleles.
Comment: BS1, BP4, BP7

Blueprint Genetics
Classification: Likely benign. Last evaluated: 2024-11-19. Review status: criteria provided, single submitter. Criteria: ACMG Guidelines, 2015. Collection method: clinical testing. Allele origin: germline.

ARUP Laboratories, Molecular Genetics and Genomics, ARUP Laboratories
Classification: Benign. Last evaluated: 2023-11-09. Review status: criteria provided, single submitter. Criteria: ARUP Molecular Germline Variant Investigation Process 2024. Collection method: clinical testing. Allele origin: germline.

Ambry Genetics
Classification: Likely benign for Inborn genetic diseases. Last evaluated: 2022-04-04. Review status: criteria provided, single submitter. Criteria: Ambry Variant Classification Scheme 2023. Collection method: clinical testing. Allele origin: germline.

GeneDx
Classification: Likely benign. Last evaluated: 2019-05-27. Review status: criteria provided, single submitter. Criteria: GeneDx Variant Classification Process June 2021. Collection method: clinical testing. Allele origin: germline. Affected: yes.

Illumina Laboratory Services, Illumina
Classification: Likely benign for Cerebral cavernous malformation. Last evaluated: 2018-01-13. Review status: criteria provided, single submitter. Criteria: ICSL Variant Classification Criteria 13 December 2019. Collection method: clinical testing. Allele origin: germline.
Comment: This variant was observed in the ICSL laboratory as part of a predisposition screen in an ostensibly healthy population. It had not been previously curated by ICSL or reported in the Human Gene Mutation Database (HGMD: prior to June 1st, 2018), and was therefore a candidate for classification through an automated scoring system. Utilizing variant allele frequency, disease prevalence and penetrance estimates, and inheritance mode, an automated score was calculated to assess if this variant is too frequent to cause the disease. Based on the score and internal cut-off values, a variant classified as likely benign is not then subjected to further curation. The score for this variant resulted in a classification of likely benign for this disease.

Illumina Laboratory Services, Illumina
Classification: Benign for Angiokeratoma corporis diffusum with arteriovenous fistulas. Last evaluated: 2018-01-13. Review status: criteria provided, single submitter. Criteria: ICSL Variant Classification Criteria 13 December 2019. Collection method: clinical testing. Allele origin: germline.
Comment: This variant was observed in the ICSL laboratory as part of a predisposition screen in an ostensibly healthy population. It had not been previously curated by ICSL or reported in the Human Gene Mutation Database (HGMD: prior to June 1st, 2018), and was therefore a candidate for classification through an automated scoring system. Utilizing variant allele frequency, disease prevalence and penetrance estimates, and inheritance mode, an automated score was calculated to assess if this variant is too frequent to cause the disease. Based on the score and internal cut-off values, a variant classified as benign is not then subjected to further curation. The score for this variant resulted in a classification of benign for this disease.

Clinical Genetics DNA and cytogenetics Diagnostics Lab, Erasmus MC, Erasmus Medical Center
Classification: Benign for Cerebral cavernous malformation. Last evaluated: 2015-09-21. Review status: criteria provided, single submitter. Criteria: ACGS Guidelines, 2013. Collection method: clinical testing. Allele origin: germline. Affected: yes. Study: VKGL Data-share Consensus.

Breakthrough Genomics
Classification: Likely benign. Review status: criteria provided, single submitter. Criteria: ACMG Guidelines, 2015. Collection method: not provided. Allele origin: germline. Inheritance: Autosomal dominant inheritance. Affected: yes.

PreventionGenetics, part of Exact Sciences
Classification: Likely benign. Review status: criteria provided, single submitter. Criteria: ACMG Guidelines, 2015. Collection method: clinical testing. Allele origin: germline.

Clinical Genetics, Academic Medical Center
Classification: Benign. Review status: no assertion criteria provided. Collection method: clinical testing. Allele origin: germline. Affected: yes. Study: VKGL Data-share Consensus. Not counted in ClinVar's aggregate classification.

NM_194454.3(KRIT1):c.1095A>G (p.Gly365=)

Gene: KRIT1 (KRIT1 ankyrin repeat containing; minus strand). Cytogenetic location: 7q21.2.
Variant type: single nucleotide variant.
Coding change: c.1095A>G on transcript NM_194454.3 (MANE Select); coding-DNA position 1095, A replaced by G.
Protein change: p.Gly365=; no amino-acid change (glycine 365 retained).
Molecular consequence: synonymous variant.
Genome position (GRCh38, 1-based): chr7:92,226,577, T>C on the plus strand (A>G on the coding strand, the complement: KRIT1 is on the minus strand). VCF-style: chr7-92226577-T-C. GRCh37 (hg19) VCF-style: chr7-91855891-T-C.
Other names: p.Gly365=; c.951A>G, p.Gly317= (NM_001013406.2, NM_001350669.1, NM_001350670.1); c.381A>G, p.Gly127= (NM_001350671.1); c.1095A>G, p.Gly365= (NM_001350672.1, NM_001350673.1, NM_001350674.1 and 26 more transcripts).
Identifiers: ClinVar variation 263092 (VCV000263092.49), dbSNP rs143710815, ClinGen allele CA4339215.